The following is an entry in ClinVar:

ClinVar aggregate classification (germline): Likely benign. Review status: criteria provided, single submitter (1 of 4 stars). 2 submissions from 2 submitters: Likely benign (1). 1 of the submissions does not count toward it. Last evaluated 2020-09-20.

Conditions:
Idiopathic generalized epilepsy. Also called: Generalised epilepsy; EIG. Identifiers: MedGen C0270850, MONDO:0005579, OMIM 600669.
Hyperaldosteronism, familial, type IV (HALD4). Also called: FH IV; ALDOSTERONISM, PRIMARY, AND HYPERTENSION. Identifiers: Orphanet 642671, MedGen C4310756, MONDO:0014875, OMIM 617027.
CACNA1H-related disorder.

Submissions (2):

Labcorp Genetics (formerly Invitae), Labcorp
Classification: Likely benign for Idiopathic generalized epilepsy; Hyperaldosteronism, familial, type IV. Last evaluated: 2020-09-20. Review status: criteria provided, single submitter. Criteria: Invitae Variant Classification Sherloc (09022015). Collection method: clinical testing. Allele origin: germline.

PreventionGenetics, part of Exact Sciences
Classification: Likely benign for CACNA1H-related condition. Last evaluated: 2019-07-10. Review status: no assertion criteria provided. Collection method: clinical testing. Allele origin: germline. Not counted in ClinVar's aggregate classification.
Comment: This variant is classified as likely benign based on ACMG/AMP sequence variant interpretation guidelines (Richards et al. 2015 PMID: 25741868, with internal and published modifications).

NM_021098.3(CACNA1H):c.993C>T (p.Gly331=)

Gene: CACNA1H (calcium voltage-gated channel subunit alpha1 H; plus strand). Cytogenetic location: 16p13.3.
Variant type: single nucleotide variant.
Coding change: c.993C>T on transcript NM_021098.3 (MANE Select); coding-DNA position 993, C replaced by T.
Protein change: p.Gly331=; no amino-acid change (glycine 331 retained).
Molecular consequence: synonymous variant.
Genome position (GRCh38, 1-based): chr16:1,200,445, C>T. VCF-style: chr16-1200445-C-T. GRCh37 (hg19) VCF-style: chr16-1250445-C-T.
Other names: c.993C>T, p.Gly331= (NM_001005407.2); c.993C>T (NM_021098.2).
Identifiers: ClinVar variation 1152088 (VCV001152088.6), dbSNP rs770821118, ClinGen allele CA7799740.